The following is an entry in ClinVar:

ClinVar aggregate classification (germline): Benign/Likely benign. Review status: criteria provided, multiple submitters, no conflicts (2 of 4 stars). 7 submissions from 7 submitters: Benign (5); Likely benign (1). 1 of the submissions does not count toward it. Last evaluated 2026-02-03.

Conditions:
KCNJ1-related disorder. Also called: KCNJ1-related condition.

Allele frequency attached by ClinVar (database versions not stated): gnomAD exomes 0.00523 and 0.02209; 1000 Genomes Project 0.01677; 1000 Genomes Project 30x 0.01796; gnomAD 0.00872 and 0.00914; ExAC 0.01694; TOPMed 0.01526; ESP Exome Variant Server 0.00077.
gnomAD v4.1: 8,978 of 1,614,150 alleles (0.56%); highest among the groups gnomAD compares: Admixed American, 12%; 561 homozygotes.

Submissions (7):

Labcorp Genetics (formerly Invitae), Labcorp
Classification: Benign. Last evaluated: 2026-02-03. Review status: criteria provided, single submitter. Criteria: Invitae Variant Classification Sherloc (09022015). Collection method: clinical testing. Allele origin: germline.

Mayo Clinic Laboratories, Mayo Clinic
Classification: Benign. Last evaluated: 2022-03-09. Review status: criteria provided, single submitter. Criteria: ACMG Guidelines, 2015. Collection method: clinical testing. Allele origin: germline. Observed: 9 variant alleles.

GeneDx
Classification: Benign. Last evaluated: 2020-05-14. Review status: criteria provided, single submitter. Criteria: GeneDx Variant Classification Process June 2021. Collection method: clinical testing. Allele origin: germline. Affected: yes.

Athena Diagnostics
Classification: Benign. Last evaluated: 2018-02-28. Review status: criteria provided, single submitter. Criteria: Athena Diagnostics Criteria. Collection method: clinical testing. Allele origin: germline.

Center for Pediatric Genomic Medicine, Children's Mercy Hospital and Clinics
Classification: Benign. Last evaluated: 2016-01-21. Review status: criteria provided, single submitter. Criteria: ACMG Guidelines, 2015. Collection method: clinical testing. Allele origin: germline.

Breakthrough Genomics
Classification: Likely benign. Review status: criteria provided, single submitter. Criteria: ACMG Guidelines, 2015. Collection method: not provided. Allele origin: germline. Inheritance: Autosomal recessive inheritance. Affected: yes.

PreventionGenetics, part of Exact Sciences
Classification: Benign for KCNJ1-related condition. Last evaluated: 2019-05-09. Review status: no assertion criteria provided. Collection method: clinical testing. Allele origin: germline. Not counted in ClinVar's aggregate classification.
Comment: This variant is classified as benign based on ACMG/AMP sequence variant interpretation guidelines (Richards et al. 2015 PMID: 25741868, with internal and published modifications).

Literature cited by the submitters: PubMed 16982955 (cited by Athena Diagnostics).

NM_153766.3(KCNJ1):c.199A>G (p.Thr67Ala)

Gene: KCNJ1 (potassium inwardly rectifying channel subfamily J member 1; minus strand). Cytogenetic location: 11q24.3.
Variant type: single nucleotide variant.
Coding change: c.199A>G on transcript NM_153766.3 (MANE Select); coding-DNA position 199, A replaced by G.
Protein change: p.Thr67Ala; replaces threonine 67 with alanine.
Molecular consequence: missense variant.
Genome position (GRCh38, 1-based): chr11:128,840,045, T>C on the plus strand (A>G on the coding strand, the complement: KCNJ1 is on the minus strand). VCF-style: chr11-128840045-T-C. GRCh37 (hg19) VCF-style: chr11-128709940-T-C.
Other names: p.Thr86Ala; c.256A>G, p.Thr86Ala (NM_000220.6); c.199A>G, p.Thr67Ala (NM_153764.3, NM_153767.4); c.250A>G, p.Thr84Ala (NM_153765.3); c.256A>G (NM_000220.5); short protein forms T67A, T86A, T84A.
Identifiers: ClinVar variation 235236 (VCV000235236.19), dbSNP rs41302407, ClinGen allele CA6357554.
Genomic context (GRCh38, chr11:128,840,045, plus strand): 5'-GAATGTACGCTACTGCATACCACAGGAGACCAAAGAAAAACCAACTCCCCAAGAAGGCTG[T>C]GATGAAAATGGTCATTTTGTATCTCCACTTGAGGTCAAGTACCGTTGTCCAGATGTCCAC-3'
Protein context (NP_722450.1, residues 57-77): KWRYKMTIFI[Thr67Ala]AFLGSWFFFG